The following is an entry in ClinVar:

NM_000384.3(APOB):c.11523T>C (p.Asn3841=)

Gene: APOB (apolipoprotein B; minus strand). Cytogenetic location: 2p24.1.
Variant type: single nucleotide variant.
Coding change: c.11523T>C on transcript NM_000384.3 (MANE Select); coding-DNA position 11523, T replaced by C.
Protein change: p.Asn3841=; no amino-acid change (asparagine 3841 retained).
Molecular consequence: synonymous variant.
Genome position (GRCh38, 1-based): chr2:21,005,345, A>G on the plus strand (T>C on the coding strand, the complement: APOB is on the minus strand). VCF-style: chr2-21005345-A-G. GRCh37 (hg19) VCF-style: chr2-21228217-A-G.
Identifiers: ClinVar variation 4888243 (VCV004888243.1).

ClinVar aggregate classification (germline): Likely benign (1 of 4 stars; one submission).

Conditions:
Familial hypercholesterolemia. Also called: Familial hypercholesterolemias; Familial hypercholesterolaemia. Identifiers: MedGen C0020445, MONDO:0005439.

gnomAD v4.1: 1 of 1,614,134 alleles (0.000062%); highest among the groups gnomAD compares: Non-Finnish European, 0.000085%; no homozygotes.

Submission:

GENinCode PLC
Classification: Likely benign for Familial hypercholesterolemia. Last evaluated: 2025-12-17. Review status: criteria provided, single submitter. Criteria: ACMG Guidelines, 2015. Collection method: clinical testing. Allele origin: germline.
Comment: This is a synonymous (silent) variant that is not predicted to impact splicing and occurs at a nucleotide which is not highly conserved. This variant has been classified as Likely Benign (BP4, BP7).